The following is an entry in ClinVar:

ClinVar aggregate classification (germline): Likely benign. Review status: criteria provided, multiple submitters, no conflicts (2 of 4 stars). 4 submissions from 4 submitters: Likely benign (4). Last evaluated 2025-02-17.

Conditions:
Inborn genetic diseases. Identifiers: MedGen C0950123, MeSH D030342.
Nance-Horan syndrome (NHS). Identifiers: Orphanet 627, MedGen C0796085, MONDO:0010545, OMIM 302350.

Allele frequency attached by ClinVar (database versions not stated): ExAC 0.00002; TOPMed 0.00004; gnomAD 0.00005; gnomAD exomes 0.00005 and 0.00012.
gnomAD v4.1: 136 of 1,209,559 alleles (0.011%); highest among the groups gnomAD compares: Middle Eastern, 0.023%; no homozygotes.

Submissions (4):

Labcorp Genetics (formerly Invitae), Labcorp
Classification: Likely benign for Nance-Horan syndrome. Last evaluated: 2025-02-17. Review status: criteria provided, single submitter. Criteria: Invitae Variant Classification Sherloc (09022015). Collection method: clinical testing. Allele origin: germline.

Blueprint Genetics
Classification: Likely benign. Last evaluated: 2024-01-19. Review status: criteria provided, single submitter. Criteria: ACMG Guidelines, 2015. Collection method: clinical testing. Allele origin: germline.

CeGaT Center for Human Genetics Tuebingen
Classification: Likely benign. Last evaluated: 2022-09-01. Review status: criteria provided, single submitter. Criteria: CeGaT Center For Human Genetics Tuebingen Variant Classification Criteria Version 2. Collection method: clinical testing. Allele origin: germline. Affected: yes. Observed: 1 variant allele.
Comment: NHS: BP4, BP7

Ambry Genetics
Classification: Likely benign for Inborn genetic diseases. Last evaluated: 2017-07-12. Review status: criteria provided, single submitter. Criteria: Ambry Variant Classification Scheme 2023. Collection method: clinical testing. Allele origin: germline.

NM_001291867.2(NHS):c.966G>A (p.Pro322=)

Gene: NHS (NHS actin remodeling regulator; plus strand). Cytogenetic location: Xp22.13.
Variant type: single nucleotide variant.
Coding change: c.966G>A on transcript NM_001291867.2 (MANE Select); coding-DNA position 966, G replaced by A.
Protein change: p.Pro322=; no amino-acid change (proline 322 retained).
Molecular consequence: synonymous variant.
Genome position (GRCh38, 1-based): chrX:17,721,491, G>A. VCF-style: chrX-17721491-G-A. GRCh37 (hg19) VCF-style: chrX-17739611-G-A.
Other names: c.435G>A, p.Pro145= (NM_001136024.4); c.372G>A, p.Pro124= (NM_001291868.2); c.903G>A, p.Pro301= (NM_198270.4).
Identifiers: ClinVar variation 733642 (VCV000733642.35), dbSNP rs745327335, ClinGen allele CA10358562.
Genomic context (GRCh38, chrX:17,721,491, plus strand): 5'-TTGTTTGCAGTCCCATCCCCCAGAGGATGAAGATACAGATGTCATGTTAGGGCAGAGGCC[G>A]AAAAACCCAATACACAATATCCCTTCCACACTGGACAAGCAGACCAACTGGAGCAAAGCA-3'
Protein context (NP_001278796.1, residues 312-332): EDTDVMLGQR[Pro322=]KNPIHNIPST